The following is an entry in ClinVar:

NM_020461.4(TUBGCP6):c.4664del (p.Pro1555fs)

Gene: TUBGCP6 (tubulin gamma complex component 6; minus strand). Cytogenetic location: 22q13.33.
Variant type: Deletion.
Coding change: c.4664del on transcript NM_020461.4 (MANE Select); coding-DNA position 4664, one base deleted (C; older notation c.4664delC).
Protein change: p.Pro1555fs; shifts the reading frame from proline 1555.
Molecular consequence: frameshift variant.
Genome position (GRCh38, 1-based): chr22:50,218,860, G deleted on the plus strand (C on the coding strand, the reverse complement: TUBGCP6 is on the minus strand); the first of 3 consecutive G bases (chr22:50,218,860-50,218,862); deleting any one gives the same sequence. VCF-style (leftmost placement, unchanged base first): chr22-50218859-CG-C. GRCh37 (hg19) VCF-style: chr22-50657288-CG-C.
Other names: short protein forms P1555fs.
Identifiers: ClinVar variation 2627912 (VCV002627912.2), dbSNP rs756544270, ClinGen allele CA10307386.

ClinVar aggregate classification (germline): Pathogenic/Likely pathogenic. Review status: criteria provided, multiple submitters, no conflicts (2 of 4 stars). 2 submissions from 2 submitters: Pathogenic (1); Likely pathogenic (1). Last evaluated 2025-12-11.

Conditions:
Microcephaly and chorioretinopathy 1. Also called: Microcephaly and chorioretinopathy, autosomal recessive, 1. Identifiers: MedGen C3278481, MONDO:0009624, OMIM 251270.

Submissions (2):

Labcorp Genetics (formerly Invitae), Labcorp
Classification: Pathogenic. Last evaluated: 2025-12-11. Review status: criteria provided, single submitter. Criteria: Invitae Variant Classification Sherloc (09022015). Collection method: clinical testing. Allele origin: germline.
Comment: This sequence change creates a premature translational stop signal (p.Pro1555Argfs*4) in the TUBGCP6 gene. It is expected to result in an absent or disrupted protein product. Loss-of-function variants in TUBGCP6 are known to be pathogenic (PMID: 25344692). This variant is present in population databases (rs756544270, gnomAD 0.007%). This variant has not been reported in the literature in individuals affected with TUBGCP6-related conditions. ClinVar contains an entry for this variant (Variation ID: 2627912). Algorithms developed to predict the effect of sequence changes on RNA splicing suggest that this variant may disrupt the consensus splice site. For these reasons, this variant has been classified as Pathogenic.

Illumina Laboratory Services, Illumina
Classification: Likely pathogenic for Microcephaly and chorioretinopathy 1. Last evaluated: 2023-06-07. Review status: criteria provided, single submitter. Criteria: ICSLVariantClassificationCriteria RUGD 01 April 2020. Collection method: clinical testing. Allele origin: unknown.
Comment: The TUBGCP6 c.4664del (p.Pro1555ArgfsTer4) variant causes a shift in the protein reading frame that is predicted to result in premature termination of the protein. Loss of normal protein function through either protein truncation or nonsense-mediated mRNA decay is expected. This variant is present in one allele in the African/African American population at a frequency of 0.000062 in the Genome Aggregation Database (version 2.1.1). The c.4664del (p.Pro1555ArgfsTer4) variant was identified in trans with a splice region variant. Based on the available evidence, the c.4664del (p.Pro1555ArgfsTer4) variant is classified as likely pathogenic for microcephaly and chorioretinopathy.

Literature cited by the submitters: PubMed 25344692 (cited by Labcorp Genetics (formerly Invitae), Labcorp).